The following is an entry in ClinVar:

ClinVar aggregate classification (germline): Uncertain significance (1 of 4 stars; one submission).

Conditions:
Wilson disease (WND). Also called: Wilson's disease. Identifiers: Orphanet 905, MedGen C0019202, MONDO:0010200, OMIM 277900. Disease mechanism: loss of function.

Allele frequency attached by ClinVar (database versions not stated): ExAC 0.00001.
gnomAD v4.1: 9 of 1,614,096 alleles (0.00056%); highest among the groups gnomAD compares: South Asian, 0.0099%; no homozygotes.

Submission:

Labcorp Genetics (formerly Invitae), Labcorp
Classification: Uncertain significance for Wilson disease. Last evaluated: 2022-03-21. Review status: criteria provided, single submitter. Criteria: Invitae Variant Classification Sherloc (09022015). Collection method: clinical testing. Allele origin: germline.
Comment: This sequence change replaces leucine, which is neutral and non-polar, with serine, which is neutral and polar, at codon 523 of the ATP7B protein (p.Leu523Ser). This variant is present in population databases (rs773385516, gnomAD 0.006%). This variant has not been reported in the literature in individuals affected with ATP7B-related conditions. Advanced modeling of protein sequence and biophysical properties (such as structural, functional, and spatial information, amino acid conservation, physicochemical variation, residue mobility, and thermodynamic stability) performed at Invitae indicates that this missense variant is expected to disrupt ATP7B protein function. In summary, the available evidence is currently insufficient to determine the role of this variant in disease. Therefore, it has been classified as a Variant of Uncertain Significance.

NM_000053.4(ATP7B):c.1568T>C (p.Leu523Ser)

Gene: ATP7B (ATPase copper transporting beta; minus strand). Cytogenetic location: 13q14.3.
Variant type: single nucleotide variant.
Coding change: c.1568T>C on transcript NM_000053.4 (MANE Select); coding-DNA position 1568, T replaced by C.
Protein change: p.Leu523Ser; replaces leucine 523 with serine.
Molecular consequence: missense variant.
Genome position (GRCh38, 1-based): chr13:51,968,583, A>G on the plus strand (T>C on the coding strand, the complement: ATP7B is on the minus strand). VCF-style: chr13-51968583-A-G. GRCh37 (hg19) VCF-style: chr13-52542719-A-G.
Other names: c.1568T>C, p.Leu523Ser (NM_001406516.1, NM_001406519.1, NM_001406520.1 and 26 more transcripts); c.1472T>C, p.Leu491Ser (NM_001406517.1, NM_001406518.1, NM_001406543.1 and 3 more transcripts); c.1139T>C, p.Leu380Ser (NM_001406539.1); c.1235T>C, p.Leu412Ser (NM_001243182.2); short protein forms L380S, L412S, L523S, L491S.
Identifiers: ClinVar variation 1952685 (VCV001952685.2), dbSNP rs773385516, ClinGen allele CA6989300.